The following is an entry in ClinVar:

ClinVar aggregate classification (germline): Uncertain significance. Review status: criteria provided, multiple submitters, no conflicts (2 of 4 stars). 2 submissions from 2 submitters: Uncertain significance (2). Last evaluated 2024-08-05.

Conditions:
Primary ciliary dyskinesia. Also called: Ciliary dyskinesia. Identifiers: Orphanet 244, MedGen C0008780, MONDO:0016575, HP:0012265.

Allele frequency attached by ClinVar (database versions not stated): ExAC 0.00001; gnomAD exomes 0.00002; gnomAD 0.00005 and 0.00006; TOPMed 0.00005; ESP Exome Variant Server 0.00008.
gnomAD v4.1: 50 of 1,614,036 alleles (0.0031%); highest among the groups gnomAD compares: Non-Finnish European, 0.0037%; no homozygotes.

Submissions (2):

Ambry Genetics
Classification: Uncertain significance for Primary ciliary dyskinesia. Last evaluated: 2024-08-05. Review status: criteria provided, single submitter. Criteria: Ambry Variant Classification Scheme 2023. Collection method: clinical testing. Allele origin: germline.

Labcorp Genetics (formerly Invitae), Labcorp
Classification: Uncertain significance for Primary ciliary dyskinesia. Last evaluated: 2022-05-22. Review status: criteria provided, single submitter. Criteria: Invitae Variant Classification Sherloc (09022015). Collection method: clinical testing. Allele origin: germline.
Comment: In summary, the available evidence is currently insufficient to determine the role of this variant in disease. Therefore, it has been classified as a Variant of Uncertain Significance. Algorithms developed to predict the effect of sequence changes on RNA splicing suggest that this variant may disrupt the consensus splice site. Algorithms developed to predict the effect of missense changes on protein structure and function (SIFT, PolyPhen-2, Align-GVGD) all suggest that this variant is likely to be tolerated. This variant has not been reported in the literature in individuals affected with RSPH9-related conditions. This variant is present in population databases (rs150021750, gnomAD 0.004%). This sequence change replaces glutamic acid, which is acidic and polar, with lysine, which is basic and polar, at codon 110 of the RSPH9 protein (p.Glu110Lys).

NM_152732.5(RSPH9):c.328G>A (p.Glu110Lys)

Gene: RSPH9 (radial spoke head component 9; plus strand). Cytogenetic location: 6p21.1.
Variant type: single nucleotide variant.
Coding change: c.328G>A on transcript NM_152732.5 (MANE Select); coding-DNA position 328, G replaced by A.
Protein change: p.Glu110Lys; replaces glutamic acid 110 with lysine.
Molecular consequence: missense variant. On other transcripts: non-coding transcript variant (1).
Genome position (GRCh38, 1-based): chr6:43,650,475, G>A. VCF-style: chr6-43650475-G-A. GRCh37 (hg19) VCF-style: chr6-43618212-G-A.
Other names: c.328G>A (NM_152732.4); c.328G>A, p.Glu110Lys (NM_001193341.2, NM_001424119.1, NM_001424120.1 and 1 more transcripts); short protein forms E110K.
Identifiers: ClinVar variation 1477175 (VCV001477175.7), dbSNP rs150021750, ClinGen allele CA3828277.